The following is an entry in ClinVar:

NM_182760.4(SUMF1):c.853C>T (p.Pro285Ser)

Gene: SUMF1 (sulfatase modifying factor 1; minus strand). Cytogenetic location: 3p26.1.
Variant type: single nucleotide variant.
Coding change: c.853C>T on transcript NM_182760.4 (MANE Select); coding-DNA position 853, C replaced by T.
Protein change: p.Pro285Ser; replaces proline 285 with serine.
Molecular consequence: missense variant.
Genome position (GRCh38, 1-based): chr3:4,410,966, G>A on the plus strand (C>T on the coding strand, the complement: SUMF1 is on the minus strand). VCF-style: chr3-4410966-G-A. GRCh37 (hg19) VCF-style: chr3-4452650-G-A.
Other names: c.778C>T, p.Pro260Ser (NM_001164674.2); c.853C>T, p.Pro285Ser (NM_001164675.2); short protein forms P260S, P285S.
Identifiers: ClinVar variation 2185083 (VCV002185083.1), dbSNP rs1701522224, ClinGen allele CA351631520.

ClinVar aggregate classification (germline): Uncertain significance (1 of 4 stars; one submission).

Conditions:
Multiple sulfatase deficiency (MSD). Also called: Multiple Sulfatase Deficiency Disease; Sulfatidosis, Juvenile, Austin Type; Mucosulfatidosis. Identifiers: Orphanet 585, MedGen C0268263, MONDO:0010088, OMIM 272200.

Allele frequency attached by ClinVar (database versions not stated): TOPMed below 0.00001.

Submission:

Labcorp Genetics (formerly Invitae), Labcorp
Classification: Uncertain significance for Multiple sulfatase deficiency. Last evaluated: 2022-07-13. Review status: criteria provided, single submitter. Criteria: Invitae Variant Classification Sherloc (09022015). Collection method: clinical testing. Allele origin: germline.
Comment: This sequence change replaces proline, which is neutral and non-polar, with serine, which is neutral and polar, at codon 285 of the SUMF1 protein (p.Pro285Ser). This variant is not present in population databases (gnomAD no frequency). This variant has not been reported in the literature in individuals affected with SUMF1-related conditions. Algorithms developed to predict the effect of missense changes on protein structure and function (SIFT, PolyPhen-2, Align-GVGD) all suggest that this variant is likely to be tolerated. In summary, the available evidence is currently insufficient to determine the role of this variant in disease. Therefore, it has been classified as a Variant of Uncertain Significance.